The following is an entry in ClinVar:

NM_006133.3(DAGLA):c.2613dup (p.Ser872fs)

Gene: DAGLA (diacylglycerol lipase alpha; plus strand). Cytogenetic location: 11q12.2.
Variant type: Duplication.
Coding change: c.2613dup on transcript NM_006133.3 (MANE Select); coding-DNA position 2613, one base duplicated (C; older notation c.2613dupC).
Protein change: p.Ser872fs; shifts the reading frame from serine 872.
Molecular consequence: frameshift variant.
Genome position (GRCh38, 1-based): chr11:61,743,973, C duplicated; the last of 6 consecutive C bases (chr11:61,743,968-61,743,973); duplicating any one gives the same sequence. VCF-style (leftmost placement, unchanged base first): chr11-61743967-G-GC. GRCh37 (hg19) VCF-style: chr11-61511439-G-GC.
Other names: short protein forms S872fs.
Identifiers: ClinVar variation 3233427 (VCV003233427.4), dbSNP rs1275424656, ClinGen allele CA599795403.
Genomic context (GRCh38, chr11:61,743,967, plus strand): 5'-CTCACAGGACACGCAGCCCCTGGAGGCGGCCCTGGGCAGTGGCGGCGTCACTCCTGAGCG[G>GC]CCCCCCAGTGCTGCGGCCAATGACGAGGAGGAAGAGGTTGGCGGTGGGGGTGGCGGGCCG-3'

ClinVar aggregate classification (germline): Uncertain significance. Review status: criteria provided, single submitter (1 of 4 stars). 2 submissions from 2 submitters: Uncertain significance (1). 1 of the submissions does not count toward it. Last evaluated 2022-01-14.

Conditions:
Benign paroxysmal tonic upgaze of childhood with ataxia (NOC2). Also called: NEUROOCULAR SYNDROME 2, PAROXYSMAL TYPE; PAROXYSMAL TONIC UPGAZE, BENIGN CHILDHOOD, WITH ATAXIA. Identifiers: Orphanet 1179, MedGen C1868576, MONDO:0008206, OMIM 168885.

Submissions (2):

Institute of Human Genetics, University of Leipzig Medical Center
Classification: Uncertain significance for Benign paroxysmal tonic upgaze of childhood with ataxia. Last evaluated: 2022-01-14. Review status: criteria provided, single submitter. Criteria: ACMG Guidelines, 2015. Collection method: clinical testing. Allele origin: unknown. Inheritance: Autosomal dominant inheritance. Affected: yes.
Comment: Criteria applied: PS2_MOD, PM2_SUP, PP2_SUP

OMIM
Classification: Pathogenic for NEUROOCULAR SYNDROME 2, PAROXYSMAL TYPE. Last evaluated: 2024-05-08. Review status: no assertion criteria provided. Collection method: literature only. Allele origin: germline. Not counted in ClinVar's aggregate classification.

Literature cited by the submitters: PubMed 35737950 (cited by OMIM); Hamosh, A. Personal Communication. 2024. Baltimore, Md. (cited by OMIM).